The following is an entry in ClinVar:

NM_000138.5(FBN1):c.7641C>G (p.Ser2547Arg)

Gene: FBN1 (fibrillin 1; minus strand). Cytogenetic location: 15q21.1.
Variant type: single nucleotide variant.
Coding change: c.7641C>G on transcript NM_000138.5 (MANE Select); coding-DNA position 7641, C replaced by G.
Protein change: p.Ser2547Arg; replaces serine 2547 with arginine.
Molecular consequence: missense variant.
Genome position (GRCh38, 1-based): chr15:48,421,616, G>C on the plus strand (C>G on the coding strand, the complement: FBN1 is on the minus strand). VCF-style: chr15-48421616-G-C. GRCh37 (hg19) VCF-style: chr15-48713813-G-C.
Other names: short protein forms S2547R.
Identifiers: ClinVar variation 527191 (VCV000527191.9), dbSNP rs1555394198, ClinGen allele CA392325164.

ClinVar aggregate classification (germline): Uncertain significance (1 of 4 stars; one submission).

Conditions:
Familial thoracic aortic aneurysm and aortic dissection (TAAD). Also called: Thoracic aortic aneurysms and dissections. Identifiers: Orphanet 91387, MedGen C4707243, MONDO:0019625.
Marfan syndrome (MFS). Also called: Marfan syndrome type 1; Marfan syndrome, classic; Marfan's syndrome; FBN1-Related Marfan Syndrome; MARFAN SYNDROME, TYPE I. Identifiers: Orphanet 284963, Orphanet 558, MedGen C0024796, MONDO:0007947, OMIM 154700.

Submission:

Labcorp Genetics (formerly Invitae), Labcorp
Classification: Uncertain significance for Marfan syndrome; Familial thoracic aortic aneurysm and aortic dissection. Last evaluated: 2018-10-31. Review status: criteria provided, single submitter. Criteria: Invitae Variant Classification Sherloc (09022015). Collection method: clinical testing. Allele origin: germline.
Comment: In summary, the available evidence is currently insufficient to determine the role of this variant in disease. Therefore, it has been classified as a Variant of Uncertain Significance. This sequence change replaces serine with arginine at codon 2547 of the FBN1 protein (p.Ser2547Arg). The serine residue is highly conserved and there is a moderate physicochemical difference between serine and arginine. This variant is not present in population databases (ExAC no frequency). This variant has not been reported in the literature in individuals with FBN1-related disease. ClinVar contains an entry for this variant (Variation ID: 527191). Algorithms developed to predict the effect of missense changes on protein structure and function are either unavailable or do not agree on the potential impact of this missense change (SIFT: "Deleterious"; PolyPhen-2: "Probably Damaging"; Align-GVGD: "Class C0"). Algorithms developed to predict the effect of sequence changes on RNA splicing suggest that this variant may create or strengthen a splice site, but this prediction has not been confirmed by published transcriptional studies.